The following is an entry in ClinVar:

NM_006231.4(POLE):c.6089_6090delinsG (p.Ala2030fs)

Gene: POLE (DNA polymerase epsilon, catalytic subunit; minus strand). Cytogenetic location: 12q24.33.
Variant type: Indel.
Coding change: c.6089_6090delinsG on transcript NM_006231.4 (MANE Select); coding-DNA positions 6089 to 6090, CC replaced by G.
Protein change: p.Ala2030fs; shifts the reading frame from alanine 2030.
Molecular consequence: frameshift variant.
Genome position (GRCh38, 1-based): chr12:132,632,710-132,632,711, GG replaced by C on the plus strand (CC replaced by G on the coding strand, the reverse complement: POLE is on the minus strand). VCF-style: chr12-132632710-GG-C. GRCh37 (hg19) VCF-style: chr12-133209296-GG-C.
Other names: short protein forms A2030fs.
Identifiers: ClinVar variation 484554 (VCV000484554.6), dbSNP rs1555220965, ClinGen allele CA658658204.

ClinVar aggregate classification (germline): Uncertain significance (1 of 4 stars; one submission).

Conditions:
Hereditary cancer-predisposing syndrome. Also called: Tumor predisposition; Hereditary Cancer Syndrome; Neoplastic Syndromes, Hereditary; Hereditary neoplastic syndrome. Identifiers: Orphanet 140162, MedGen C0027672, MeSH D009386, MONDO:0015356.

Submission:

Ambry Genetics
Classification: Uncertain significance for Hereditary cancer-predisposing syndrome. Last evaluated: 2026-02-05. Review status: criteria provided, single submitter. Criteria: Ambry Variant Classification Scheme 2023. Collection method: clinical testing. Allele origin: germline.
Comment: The c.6089_6090delCCinsG variant, located in coding exon 44 of the POLE gene, results from the deletion of two nucleotides and insertion of one nucleotide causing a translational frameshift with a predicted alternate stop codon (p.A2030Gfs*18). This alteration is expected to result in loss of function by premature protein truncation or nonsense-mediated mRNA decay. Although biallelic loss of function of POLE has been associated with autosomal recessive POLE deficiency, haploinsufficiency of POLE has not been established as a mechanism of disease for POLE-related polymerase proofreading-associated polyposis (PPAP) and POLE-related CMMRD-like syndrome. Based on the supporting evidence, this variant is expected to be causative of POLE deficiency when present along with a second pathogenic variant on the other allele; however, its clinical significance for PPAP and POLE-related CMMRD-like syndrome is unclear.